The following is an entry in ClinVar:

NM_001283009.2(RTEL1):c.2420C>G (p.Pro807Arg)

Genes: RTEL1 (regulator of telomere elongation helicase 1; plus strand), RTEL1-TNFRSF6B (RTEL1-TNFRSF6B readthrough (NMD candidate); plus strand). Cytogenetic location: 20q13.33.
Variant type: single nucleotide variant.
Coding change: c.2420C>G on transcript NM_001283009.2 (MANE Select); coding-DNA position 2420, C replaced by G.
Protein change: p.Pro807Arg; replaces proline 807 with arginine.
Molecular consequence: missense variant. On other transcripts: non-coding transcript variant (1).
Genome position (GRCh38, 1-based): chr20:63,690,811, C>G. VCF-style: chr20-63690811-C-G. GRCh37 (hg19) VCF-style: chr20-62322164-C-G.
Other names: c.1751C>G, p.Pro584Arg (NM_001283010.1); c.2420C>G, p.Pro807Arg (NM_016434.4); c.2492C>G, p.Pro831Arg (NM_032957.5); short protein forms P584R, P831R, P807R.
Identifiers: ClinVar variation 3791012 (VCV003791012.1).

ClinVar aggregate classification (germline): Uncertain significance (1 of 4 stars; one submission).

Conditions:
Inborn genetic diseases. Identifiers: MedGen C0950123, MeSH D030342.

gnomAD v4.1: 3 of 1,603,076 alleles (0.00019%); highest among the groups gnomAD compares: Non-Finnish European, 0.00025%; no homozygotes.

Submission:

Ambry Genetics
Classification: Uncertain significance for Inborn genetic diseases. Last evaluated: 2024-12-30. Review status: criteria provided, single submitter. Criteria: Ambry Variant Classification Scheme 2023. Collection method: clinical testing. Allele origin: germline.
Comment: The p.P807R variant (also known as c.2420C>G), located in coding exon 26 of the RTEL1 gene, results from a C to G substitution at nucleotide position 2420. The proline at codon 807 is replaced by arginine, an amino acid with dissimilar properties. This amino acid position is conserved. In addition, this alteration is predicted to be tolerated by in silico analysis. Based on the available evidence, the clinical significance of this variant remains unclear.